The following is an entry in ClinVar:

NM_017514.5(PLXNA3):c.3820+10G>A

Gene: PLXNA3 (plexin A3; plus strand). Cytogenetic location: Xq28.
Variant type: single nucleotide variant.
Coding change: c.3820+10G>A on transcript NM_017514.5 (MANE Select); 10 bases into the intron after coding-DNA position 3820, G replaced by A.
Molecular consequence: intron variant.
Genome position (GRCh38, 1-based): chrX:154,468,011, G>A. VCF-style: chrX-154468011-G-A. GRCh37 (hg19) VCF-style: chrX-153696354-G-A.
Identifiers: ClinVar variation 4982497 (VCV004982497.1).

ClinVar aggregate classification (germline): Likely benign (1 of 4 stars; one submission).

Conditions:
PLXNA3-related disorder. Also called: PLXNA3-related condition.

gnomAD v4.1: 10 of 1,200,705 alleles (0.00083%); highest among the groups gnomAD compares: Admixed American, 0.011%; no homozygotes.

Submission:

PreventionGenetics, part of Exact Sciences
Classification: Likely benign for PLXNA3-related condition. Last evaluated: 2024-11-26. Review status: criteria provided, single submitter. Criteria: ACMG Guidelines, 2015. Collection method: clinical testing. Allele origin: germline.
Comment: This variant is classified as likely benign based on ACMG/AMP sequence variant interpretation guidelines (Richards et al. 2015 PMID: 25741868, with internal and published modifications).